The following is an entry in ClinVar:

ClinVar aggregate classification (germline): Uncertain significance. Review status: criteria provided, multiple submitters, no conflicts (2 of 4 stars). 2 submissions from 2 submitters: Uncertain significance (2). Last evaluated 2025-01-06.

Conditions:
Inborn genetic diseases. Identifiers: MedGen C0950123, MeSH D030342.

Submissions (2):

Labcorp Genetics (formerly Invitae), Labcorp
Classification: Uncertain significance. Last evaluated: 2025-01-06. Review status: criteria provided, single submitter. Criteria: Invitae Variant Classification Sherloc (09022015). Collection method: clinical testing. Allele origin: germline.
Comment: This sequence change replaces glycine, which is neutral and non-polar, with arginine, which is basic and polar, at codon 325 of the COL9A3 protein (p.Gly325Arg). This variant is not present in population databases (gnomAD no frequency). This variant has not been reported in the literature in individuals affected with COL9A3-related conditions. ClinVar contains an entry for this variant (Variation ID: 2484208). Invitae Evidence Modeling of protein sequence and biophysical properties (such as structural, functional, and spatial information, amino acid conservation, physicochemical variation, residue mobility, and thermodynamic stability) indicates that this missense variant is expected to disrupt COL9A3 protein function with a positive predictive value of 95%. In summary, the available evidence is currently insufficient to determine the role of this variant in disease. Therefore, it has been classified as a Variant of Uncertain Significance.

Ambry Genetics
Classification: Uncertain significance for Inborn genetic diseases. Last evaluated: 2023-02-15. Review status: criteria provided, single submitter. Criteria: Ambry Variant Classification Scheme 2023. Collection method: clinical testing. Allele origin: germline.

NM_001853.4(COL9A3):c.973G>C (p.Gly325Arg)

Gene: COL9A3 (collagen type IX alpha 3 chain; plus strand). Cytogenetic location: 20q13.33.
Variant type: single nucleotide variant.
Coding change: c.973G>C on transcript NM_001853.4 (MANE Select); coding-DNA position 973, G replaced by C.
Protein change: p.Gly325Arg; replaces glycine 325 with arginine.
Molecular consequence: missense variant.
Genome position (GRCh38, 1-based): chr20:62,828,941, G>C. VCF-style: chr20-62828941-G-C. GRCh37 (hg19) VCF-style: chr20-61460293-G-C.
Other names: short protein forms G325R.
Identifiers: ClinVar variation 2484208 (VCV002484208.5), dbSNP rs778391669, ClinGen allele CA409593169.